The following is an entry in ClinVar:

ClinVar aggregate classification (germline): Conflicting classifications of pathogenicity. Review status: criteria provided, conflicting classifications (1 of 4 stars). 2 submissions from 2 submitters: Uncertain significance (1); Likely benign (1). Last evaluated 2025-10-18.

Conditions:
Postaxial polydactyly-anterior pituitary anomalies-facial dysmorphism syndrome. Also called: Culler-Jones syndrome. Identifiers: Orphanet 420584, MedGen C4014479, MONDO:0014369, OMIM 615849.
Holoprosencephaly 9 (HPE9). Also called: PITUITARY ANOMALIES WITH HOLOPROSENCEPHALY-LIKE FEATURES; HOLOPROSENCEPHALY WITH MICROPHTHALMIA AND FIRST BRANCHIAL ARCH ANOMALIES. Identifiers: Orphanet 2162, MedGen C1835819, MONDO:0012563, OMIM 610829.

Allele frequency attached by ClinVar (database versions not stated): gnomAD 0.00001; gnomAD exomes 0.00001; TOPMed 0.00002.
gnomAD v4.1: 13 of 1,613,822 alleles (0.00081%); highest among the groups gnomAD compares: Admixed American, 0.013%; no homozygotes.

Submissions (2):

Labcorp Genetics (formerly Invitae), Labcorp
Classification: Uncertain significance for Postaxial polydactyly-anterior pituitary anomalies-facial dysmorphism syndrome; Holoprosencephaly 9. Last evaluated: 2025-10-18. Review status: criteria provided, single submitter. Criteria: Invitae Variant Classification Sherloc (09022015). Collection method: clinical testing. Allele origin: germline.
Comment: This sequence change replaces phenylalanine, which is neutral and non-polar, with serine, which is neutral and polar, at codon 323 of the GLI2 protein (p.Phe323Ser). This variant is present in population databases (no rsID available, gnomAD 0.01%). This variant has not been reported in the literature in individuals affected with GLI2-related conditions. ClinVar contains an entry for this variant (Variation ID: 2066555). Invitae Evidence Modeling of protein sequence and biophysical properties (such as structural, functional, and spatial information, amino acid conservation, physicochemical variation, residue mobility, and thermodynamic stability) has been performed for this missense variant. However, the output from this modeling did not meet the statistical confidence thresholds required to predict the impact of this variant on GLI2 protein function. In summary, the available evidence is currently insufficient to determine the role of this variant in disease. Therefore, it has been classified as a Variant of Uncertain Significance.

Blueprint Genetics
Classification: Likely benign. Last evaluated: 2023-09-18. Review status: criteria provided, single submitter. Criteria: ACMG Guidelines, 2015. Collection method: clinical testing. Allele origin: germline.

NM_001374353.1(GLI2):c.968T>C (p.Phe323Ser)

Gene: GLI2 (GLI family zinc finger 2; plus strand). Cytogenetic location: 2q14.2.
Variant type: single nucleotide variant.
Coding change: c.968T>C on transcript NM_001374353.1 (MANE Select); coding-DNA position 968, T replaced by C.
Protein change: p.Phe323Ser; replaces phenylalanine 323 with serine.
Molecular consequence: missense variant.
Genome position (GRCh38, 1-based): chr2:120,970,515, T>C. VCF-style: chr2-120970515-T-C. GRCh37 (hg19) VCF-style: chr2-121728091-T-C.
Other names: c.968T>C, p.Phe323Ser (NM_001371271.1, NM_005270.5); c.593T>C, p.Phe198Ser (NM_001374354.1); short protein forms F198S, F323S.
Identifiers: ClinVar variation 2066555 (VCV002066555.5), dbSNP rs1004316414, ClinGen allele CA54425111.
Genomic context (GRCh38, chr2:120,970,515, plus strand): 5'-AGAGGGGTCTGGGGTCAGCCTTTGGACACACACCACCCCTGATCCAGCCCTCACCCACCT[T>C]CCTGGCCCAGCAGCCCATGGCCCTCACCTCCATCAATGCCACGCCCACCCAGCTCAGCAG-3'
Protein context (NP_001361282.1, residues 313-333): TPPLIQPSPT[Phe323Ser]LAQQPMALTS